The following is an entry in ClinVar:

ClinVar aggregate classification (germline): Uncertain significance. Review status: criteria provided, multiple submitters, no conflicts (2 of 4 stars). 4 submissions from 4 submitters: Uncertain significance (4). Last evaluated 2025-06-12.

Conditions:
Inborn genetic diseases. Identifiers: MedGen C0950123, MeSH D030342.

Allele frequency attached by ClinVar (database versions not stated): gnomAD exomes 0.00019; gnomAD 0.00021 and 0.00024; ExAC 0.00022; TOPMed 0.00028; ESP Exome Variant Server 0.00049.
gnomAD v4.1: 268 of 1,614,122 alleles (0.017%); highest among the groups gnomAD compares: Middle Eastern, 0.23%; 1 homozygote.

Submissions (4):

Ambry Genetics
Classification: Uncertain significance for Inborn genetic diseases. Last evaluated: 2025-06-12. Review status: criteria provided, single submitter. Criteria: Ambry Variant Classification Scheme 2023. Collection method: clinical testing. Allele origin: germline.

Blueprint Genetics
Classification: Uncertain significance. Last evaluated: 2024-11-20. Review status: criteria provided, single submitter. Criteria: ACMG Guidelines, 2015. Collection method: clinical testing. Allele origin: germline.

Labcorp Genetics (formerly Invitae), Labcorp
Classification: Uncertain significance. Last evaluated: 2022-11-01. Review status: criteria provided, single submitter. Criteria: Invitae Variant Classification Sherloc (09022015). Collection method: clinical testing. Allele origin: germline.
Comment: This sequence change replaces arginine, which is basic and polar, with cysteine, which is neutral and slightly polar, at codon 1664 of the GPR179 protein (p.Arg1664Cys). This variant is present in population databases (rs200622631, gnomAD 0.04%). This variant has not been reported in the literature in individuals affected with GPR179-related conditions. ClinVar contains an entry for this variant (Variation ID: 1370378). Algorithms developed to predict the effect of missense changes on protein structure and function output the following: SIFT: "Tolerated"; PolyPhen-2: "Benign"; Align-GVGD: "Class C0". The cysteine amino acid residue is found in multiple mammalian species, which suggests that this missense change does not adversely affect protein function. In summary, the available evidence is currently insufficient to determine the role of this variant in disease. Therefore, it has been classified as a Variant of Uncertain Significance.

Breakthrough Genomics
Classification: Uncertain significance. Review status: criteria provided, single submitter. Criteria: ACMG Guidelines, 2015. Collection method: not provided. Allele origin: germline. Inheritance: Autosomal recessive inheritance. Affected: yes.

NM_001004334.4(GPR179):c.4990C>T (p.Arg1664Cys)

Gene: GPR179 (G protein-coupled receptor 179; minus strand). Cytogenetic location: 17q12.
Variant type: single nucleotide variant.
Coding change: c.4990C>T on transcript NM_001004334.4 (MANE Select); coding-DNA position 4990, C replaced by T.
Protein change: p.Arg1664Cys; replaces arginine 1664 with cysteine.
Molecular consequence: missense variant.
Genome position (GRCh38, 1-based): chr17:38,328,579, G>A on the plus strand (C>T on the coding strand, the complement: GPR179 is on the minus strand). VCF-style: chr17-38328579-G-A. GRCh37 (hg19) VCF-style: chr17-36484462-G-A.
Other names: c.4990C>T (NM_001004334.2); short protein forms R1664C.
Identifiers: ClinVar variation 1370378 (VCV001370378.7), dbSNP rs200622631, ClinGen allele CA290103813.